The following is an entry in ClinVar:

ClinVar aggregate classification (germline): Likely benign (1 of 4 stars; one submission).

Submission:

Women's Health and Genetics/Laboratory Corporation of America, LabCorp
Classification: Likely benign. Last evaluated: 2023-10-25. Review status: criteria provided, single submitter. Criteria: LabCorp Variant Classification Summary - May 2015. Collection method: clinical testing. Allele origin: germline.
Comment: Variant summary: FRAP1 c.163-20G>A alters a conserved nucleotide located at a position not widely known to affect splicing. Consensus agreement among computation tools predict no significant impact on normal splicing. However, these predictions have yet to be confirmed by functional studies. The variant was absent in 246712 control chromosomes. The available data on variant occurrences in the general population are insufficient to allow any conclusion about variant significance. To our knowledge, no occurrence of c.163-20G>A in individuals affected with Smith-Kingsmore Syndrome and no experimental evidence demonstrating its impact on protein function have been reported. No submitters have cited clinical-significance assessments for this variant to ClinVar after 2014. Based on the evidence outlined above, the variant was classified as likely benign.

NM_004958.4(MTOR):c.163-20G>A

Gene: MTOR (mechanistic target of rapamycin kinase; minus strand). Cytogenetic location: 1p36.22.
Variant type: single nucleotide variant.
Coding change: c.163-20G>A on transcript NM_004958.4 (MANE Select); 20 bases into the intron before coding-DNA position 163, G replaced by A.
Molecular consequence: intron variant.
Genome position (GRCh38, 1-based): chr1:11,258,613, C>T on the plus strand (G>A on the coding strand, the complement: MTOR is on the minus strand). VCF-style: chr1-11258613-C-T. GRCh37 (hg19) VCF-style: chr1-11318670-C-T.
Other names: c.-977-20G>A (NM_001386501.1); c.163-20G>A (NM_001386500.1).
Identifiers: ClinVar variation 2637461 (VCV002637461.1), dbSNP rs746868923, ClinGen allele CA2695197961.